The following is an entry in ClinVar:

NM_001162498.3(LPAR6):c.107G>A (p.Cys36Tyr)

Genes: LPAR6 (lysophosphatidic acid receptor 6; minus strand), RB1 (RB transcriptional corepressor 1; plus strand). Cytogenetic location: 13q14.2.
Variant type: single nucleotide variant.
Coding change: c.107G>A on transcript NM_001162498.3 (MANE Select); coding-DNA position 107, G replaced by A.
Protein change: p.Cys36Tyr; replaces cysteine 36 with tyrosine.
Molecular consequence: missense variant. On other transcripts: intron variant (2).
Genome position (GRCh38, 1-based): chr13:48,412,317, C>T on the plus strand (G>A on the coding strand, the complement: LPAR6 is on the minus strand). VCF-style: chr13-48412317-C-T. GRCh37 (hg19) VCF-style: chr13-48986453-C-T.
Other names: c.107G>A, p.Cys36Tyr (NM_001162497.3, NM_001377316.2, NM_001377317.2 and 1 more transcripts); c.1695+30874C>T (NM_001407165.1, NM_000321.3); short protein forms C36Y.
Identifiers: ClinVar variation 1699007 (VCV001699007.3), dbSNP rs2138203806, ClinGen allele CA388160406.
Genomic context (GRCh38, chr13:48,412,317, plus strand): 5'-ATGTAAGTTGTAGTTTCATTTCGGACTTTGAGGACGCAGATGAAAATGTATATGGCAACA[C>T]AATTGGATATTAACCCAAGCACAAACACCATGCTGAACATGCACCCATACAAAGTGTACT-3'
Protein context (NP_001155970.1, residues 26-46): MVFVLGLISN[Cys36Tyr]VAIYIFICVL

ClinVar aggregate classification (germline): Uncertain significance (1 of 4 stars; one submission).

Conditions:
Hypotrichosis 8 (HYPT8). Also called: HYPOTRICHOSIS, LOCALIZED, AUTOSOMAL RECESSIVE 3. Identifiers: Orphanet 55654, MedGen C3279470, MONDO:0010206, OMIM 278150.

Submission:

Victorian Clinical Genetics Services, Murdoch Childrens Research Institute
Classification: Uncertain significance for Hypotrichosis 8. Last evaluated: 2022-02-02. Review status: criteria provided, single submitter. Criteria: ACMG Guidelines, 2015. Collection method: clinical testing. Allele origin: germline. Inheritance: Autosomal recessive inheritance. Affected: yes.
Comment: Based on the classification scheme VCGS_Germline_v1.3.4, this variant is classified as VUS-3A. Following criteria are met: 0102 - Loss of function is a known mechanism of disease in this gene and is associated with hypotrichosis 8 (MIM#278150) and woolly hair 1, with or without hypotrichosis (MIM#278150) . (I) 0106 - This gene is associated with autosomal recessive disease. (I) 0200 - Variant is predicted to result in a missense amino acid change from cysteine to tyrosine. (I) 0252 - This variant is homozygous. (I) 0301 - Variant is absent from gnomAD (both v2 and v3). (SP) 0501 - Missense variant consistently predicted to be damaging by multiple in silico tools or highly conserved with a major amino acid change. (SP) 0604 - Variant is not located in an established domain, motif, hotspot or informative constraint region. (I) 0705 - No comparable missense variants have previous evidence for pathogenicity. (I) 0807 - This variant has no previous evidence of pathogenicity. (I) 0905 - No published segregation evidence has been identified for this variant. (I) 1007 - No published functional evidence has been identified for this variant. (I) 1102 - Strong phenotype match for this individual. (SP) 1208 - Inheritance information for this variant is not currently available in this individual. (I) Legend: (SP) - Supporting pathogenic, (I) - Information, (SB) - Supporting benign